The following is an entry in ClinVar:

NM_000057.4(BLM):c.2306A>C (p.Lys769Thr)

Gene: BLM (BLM RecQ like helicase; plus strand). Cytogenetic location: 15q26.1.
Variant type: single nucleotide variant.
Coding change: c.2306A>C on transcript NM_000057.4 (MANE Select); coding-DNA position 2306, A replaced by C.
Protein change: p.Lys769Thr; replaces lysine 769 with threonine.
Molecular consequence: missense variant.
Genome position (GRCh38, 1-based): chr15:90,767,022, A>C. VCF-style: chr15-90767022-A-C. GRCh37 (hg19) VCF-style: chr15-91310252-A-C.
Other names: c.2306A>C, p.Lys769Thr (NM_001287246.2, NM_001287247.2); c.1181A>C, p.Lys394Thr (NM_001287248.2); short protein forms K394T, K769T.
Identifiers: ClinVar variation 3991682 (VCV003991682.1).

ClinVar aggregate classification (germline): Uncertain significance (1 of 4 stars; one submission).

Conditions:
Hereditary cancer-predisposing syndrome. Also called: Tumor predisposition; Hereditary neoplastic syndrome; Neoplastic Syndromes, Hereditary; Hereditary Cancer Syndrome. Identifiers: Orphanet 140162, MedGen C0027672, MeSH D009386, MONDO:0015356.

Submission:

Ambry Genetics
Classification: Uncertain significance for Hereditary cancer-predisposing syndrome. Last evaluated: 2025-05-27. Review status: criteria provided, single submitter. Criteria: Ambry Variant Classification Scheme 2023. Collection method: clinical testing. Allele origin: germline.
Comment: The p.K769T variant (also known as c.2306A>C), located in coding exon 9 of the BLM gene, results from an A to C substitution at nucleotide position 2306. The lysine at codon 769 is replaced by threonine, an amino acid with similar properties. This amino acid position is conserved. In addition, the in silico prediction for this alteration is inconclusive. Based on the available evidence, the clinical significance of this variant remains unclear.